The following is an entry in ClinVar:

ClinVar aggregate classification (germline): Uncertain significance (1 of 4 stars; one submission).

Submission:

Athena Diagnostics
Classification: Uncertain significance. Last evaluated: 2025-05-09. Review status: criteria provided, single submitter. Criteria: Athena Diagnostics Criteria. Collection method: clinical testing. Allele origin: unknown.
Comment: Available data are insufficient to determine the clinical significance of the variant at this time. This variant has not been reported in large, multi-ethnic general populations. Computational tools yielded predictions that this variant may interfere with normal RNA splicing.

NM_004984.4(KIF5A):c.968+5G>A

Gene: KIF5A (kinesin family member 5A; plus strand). Cytogenetic location: 12q13.3.
Variant type: single nucleotide variant.
Coding change: c.968+5G>A on transcript NM_004984.4 (MANE Select); 5 bases into the intron after coding-DNA position 968, G replaced by A.
Molecular consequence: intron variant.
Genome position (GRCh38, 1-based): chr12:57,569,409, G>A. VCF-style: chr12-57569409-G-A. GRCh37 (hg19) VCF-style: chr12-57963192-G-A.
Other names: c.701+5G>A (NM_001354705.2).
Identifiers: ClinVar variation 4682168 (VCV004682168.1).
Genomic context (GRCh38, chr12:57,569,409, plus strand): 5'-TCACCATCCAGTTATAATGATGCAGAGACCAAGTCCACCCTGATGTTTGGGCAGCGGTCA[G>A]TGGCAGGGTCCCCAGAGGGATCCCTGGTACCCAGCTTCCCATCCCAGCCTCTGCGGCTCT-3'